The following is an entry in ClinVar:

NM_021625.5(TRPV4):c.2158G>A (p.Glu720Lys)

Gene: TRPV4 (transient receptor potential cation channel subfamily V member 4; minus strand). Cytogenetic location: 12q24.11.
Variant type: single nucleotide variant.
Coding change: c.2158G>A on transcript NM_021625.5 (MANE Select); coding-DNA position 2158, G replaced by A.
Protein change: p.Glu720Lys; replaces glutamic acid 720 with lysine.
Molecular consequence: missense variant.
Genome position (GRCh38, 1-based): chr12:109,788,450, C>T on the plus strand (G>A on the coding strand, the complement: TRPV4 is on the minus strand). VCF-style: chr12-109788450-C-T. GRCh37 (hg19) VCF-style: chr12-110226255-C-T.
Other names: c.2017G>A, p.Glu673Lys (NM_001177428.2); c.2056G>A, p.Glu686Lys (NM_001177431.2); c.1837G>A, p.Glu613Lys (NM_001177433.2); c.1978G>A, p.Glu660Lys (NM_147204.3); short protein forms E613K, E660K, E673K, E686K, E720K.
Identifiers: ClinVar variation 1020669 (VCV001020669.42), dbSNP rs1481500312, ClinGen allele CA386649976.

ClinVar aggregate classification (germline): Uncertain significance. Review status: criteria provided, multiple submitters, no conflicts (2 of 4 stars). 2 submissions from 2 submitters: Uncertain significance (2). Last evaluated 2021-04-01.

Conditions:
Charcot-Marie-Tooth disease axonal type 2C (HMSN2C). Also called: CHARCOT-MARIE-TOOTH DISEASE, AXONAL, AUTOSOMAL DOMINANT, TYPE 2C; Charcot-Marie-Tooth Neuropathy Type 2C; Charcot-Marie-Tooth Disease Type 2, TRPV4-Related (CMT2C). Identifiers: Orphanet 99937, MedGen C1853710, MONDO:0011633, OMIM 606071.

Allele frequency attached by ClinVar (database versions not stated): gnomAD exomes 0.00001 and 0.00002.
gnomAD v4.1: 7 of 1,614,202 alleles (0.00043%); highest among the groups gnomAD compares: Admixed American, 0.005%; no homozygotes.

Submissions (2):

CeGaT Center for Human Genetics Tuebingen
Classification: Uncertain significance. Last evaluated: 2021-04-01. Review status: criteria provided, single submitter. Criteria: CeGaT Center For Human Genetics Tuebingen Variant Classification Criteria Version 2. Collection method: clinical testing. Allele origin: germline. Affected: yes. Observed: 1 variant allele.

Labcorp Genetics (formerly Invitae), Labcorp
Classification: Uncertain significance for Charcot-Marie-Tooth disease axonal type 2C. Last evaluated: 2020-03-30. Review status: criteria provided, single submitter. Criteria: Invitae Variant Classification Sherloc (09022015). Collection method: clinical testing. Allele origin: germline.
Comment: This sequence change replaces glutamic acid with lysine at codon 720 of the TRPV4 protein (p.Glu720Lys). The glutamic acid residue is highly conserved and there is a small physicochemical difference between glutamic acid and lysine. This variant is not present in population databases (ExAC no frequency). This variant has not been reported in the literature in individuals with TRPV4-related conditions. Algorithms developed to predict the effect of missense changes on protein structure and function are either unavailable or do not agree on the potential impact of this missense change (SIFT: "Tolerated"; PolyPhen-2: "Probably Damaging"; Align-GVGD: "Class C15"). In summary, the available evidence is currently insufficient to determine the role of this variant in disease. Therefore, it has been classified as a Variant of Uncertain Significance.